The following is an entry in ClinVar:

NM_001350451.2(RBFOX3):c.185C>T (p.Ala62Val)

Gene: RBFOX3 (RNA binding fox-1 homolog 3; minus strand). Cytogenetic location: 17q25.3.
Variant type: single nucleotide variant.
Coding change: c.185C>T on transcript NM_001350451.2 (MANE Select); coding-DNA position 185, C replaced by T.
Protein change: p.Ala62Val; replaces alanine 62 with valine.
Molecular consequence: missense variant.
Genome position (GRCh38, 1-based): chr17:79,115,531, G>A on the plus strand (C>T on the coding strand, the complement: RBFOX3 is on the minus strand). VCF-style: chr17-79115531-G-A. GRCh37 (hg19) VCF-style: chr17-77111613-G-A.
Other names: c.185C>T, p.Ala62Val (NM_001082575.3, NM_001350453.2, NM_001385804.1 and 43 more transcripts); c.185C>T (NM_001082575.1); short protein forms A62V.
Identifiers: ClinVar variation 955814 (VCV000955814.11), dbSNP rs1289325621, ClinGen allele CA401317909.
Genomic context (GRCh38, chr17:79,115,531, plus strand): 5'-CCTGGGGTCGTGGGGGCCCTTACCGGCACTGTCTGGGTCCCGGCGATGGGCTGTGTGCTG[G>A]CCTCGGAGCCTGGCTGCTCGGGGTGGGTCTGTGCTGGTGTGTACAGGGTCATGCCATGCT-3'
Protein context (NP_001337380.1, residues 52-72): QTHPEQPGSE[Ala62Val]STQPIAGTQT

ClinVar aggregate classification (germline): Uncertain significance. Review status: criteria provided, multiple submitters, no conflicts (2 of 4 stars). 2 submissions from 2 submitters: Uncertain significance (2). Last evaluated 2025-08-31.

Conditions:
Idiopathic generalized epilepsy. Also called: Generalised epilepsy; EIG. Identifiers: MedGen C0270850, MONDO:0005579, OMIM 600669.

Allele frequency attached by ClinVar (database versions not stated): gnomAD exomes below 0.00001; gnomAD 0.00001; TOPMed 0.00003.
gnomAD v4.1: 7 of 1,345,652 alleles (0.00052%); highest among the groups gnomAD compares: East Asian, 0.015%; no homozygotes.

Submissions (2):

Labcorp Genetics (formerly Invitae), Labcorp
Classification: Uncertain significance for Idiopathic generalized epilepsy. Last evaluated: 2025-08-31. Review status: criteria provided, single submitter. Criteria: Invitae Variant Classification Sherloc (09022015). Collection method: clinical testing. Allele origin: germline.
Comment: This sequence change replaces alanine, which is neutral and non-polar, with valine, which is neutral and non-polar, at codon 62 of the RBFOX3 protein (p.Ala62Val). This variant is not present in population databases (gnomAD no frequency). This variant has not been reported in the literature in individuals affected with RBFOX3-related conditions. ClinVar contains an entry for this variant (Variation ID: 955814). Invitae Evidence Modeling of protein sequence and biophysical properties (such as structural, functional, and spatial information, amino acid conservation, physicochemical variation, residue mobility, and thermodynamic stability) indicates that this missense variant is not expected to disrupt RBFOX3 protein function with a negative predictive value of 80%. In summary, the available evidence is currently insufficient to determine the role of this variant in disease. Therefore, it has been classified as a Variant of Uncertain Significance.

Ambry Genetics
Classification: Uncertain significance. Last evaluated: 2023-08-02. Review status: criteria provided, single submitter. Criteria: Ambry Variant Classification Scheme 2023. Collection method: clinical testing. Allele origin: germline.